The following is an entry in ClinVar:

ClinVar aggregate classification (germline): Uncertain significance. Review status: criteria provided, multiple submitters, no conflicts (2 of 4 stars). 2 submissions from 2 submitters: Uncertain significance (2). Last evaluated 2025-12-22.

Allele frequency attached by ClinVar (database versions not stated): gnomAD exomes below 0.00001 and 0.00001; ExAC 0.00001; gnomAD 0.00003 and 0.00004; TOPMed 0.00003.

Submissions (2):

Labcorp Genetics (formerly Invitae), Labcorp
Classification: Uncertain significance. Last evaluated: 2025-12-22. Review status: criteria provided, single submitter. Criteria: Invitae Variant Classification Sherloc (09022015). Collection method: clinical testing. Allele origin: germline.
Comment: This variant, c.530_532del, results in the deletion of 1 amino acid(s) of the OCA2 protein (p.Trp177del), but otherwise preserves the integrity of the reading frame. This variant is present in population databases (rs763726841, gnomAD 0.01%). This variant has been observed in individuals with ocular albinism (PMID: 28976636, 29345414). ClinVar contains an entry for this variant (Variation ID: 1025904). Experimental studies and prediction algorithms are not available or were not evaluated, and the functional significance of this variant is currently unknown. In summary, the available evidence is currently insufficient to determine the role of this variant in disease. Therefore, it has been classified as a Variant of Uncertain Significance.

Women's Health and Genetics/Laboratory Corporation of America, LabCorp
Classification: Uncertain significance. Last evaluated: 2024-10-16. Review status: criteria provided, single submitter. Criteria: LabCorp Variant Classification Summary - May 2015. Collection method: clinical testing. Allele origin: germline.
Comment: Variant summary: OCA2 c.530_532delGGC (p.Trp177del) results in an in-frame deletion that is predicted to remove 1 amino acid from the encoded protein. The variant allele was found at a frequency of 8e-06 in 249464 control chromosomes. c.530_532delGGC, and a different variant resulting in the same amino acid deletion, have been reported in the literature in at least one homozygous and one compound heterozygous individual affected with Oculocutaneous Albinism (e.g., Marti_2018, Lasseaux_2018). These data indicate that the variant may be associated with disease. To our knowledge, no experimental evidence demonstrating an impact on protein function has been reported. The following publications have been ascertained in the context of this evaluation (PMID: 28976636, 29345414). ClinVar contains an entry for this variant (Variation ID: 1025904). Based on the evidence outlined above, the variant was classified as VUS-possibly pathogenic.

Literature cited by the submitters: PubMed 28976636 (cited by Labcorp Genetics (formerly Invitae), Labcorp and Women's Health and Genetics/Laboratory Corporation of America, LabCorp); PubMed 29345414 (cited by Labcorp Genetics (formerly Invitae), Labcorp and Women's Health and Genetics/Laboratory Corporation of America, LabCorp).

NM_000275.3(OCA2):c.530_532del (p.Trp177del)

Gene: OCA2 (OCA2 melanosomal transmembrane protein; minus strand). Cytogenetic location: 15q13.1.
Variant type: Deletion.
Coding change: c.530_532del on transcript NM_000275.3 (MANE Select); coding-DNA positions 530 to 532, 3 bases deleted (GGC; older notation c.530_532delGGC).
Protein change: p.Trp177del; deletes tryptophan 177.
Molecular consequence: inframe deletion.
Genome position (GRCh38, 1-based): chr15:28,024,886-28,024,888, GCC deleted on the plus strand (GGC on the coding strand, the reverse complement: OCA2 is on the minus strand). VCF-style (leftmost placement, unchanged base first): chr15-28024885-AGCC-A. GRCh37 (hg19) VCF-style: chr15-28270031-AGCC-A.
Other names: c.530_532del, p.Trp177del (NM_001300984.2); c.530_532delGGC (NM_000275.3); short protein forms W177del.
Identifiers: ClinVar variation 1025904 (VCV001025904.10), dbSNP rs763726841, ClinGen allele CA7439450.